The following is an entry in ClinVar:

ClinVar aggregate classification (germline): Uncertain significance. Review status: criteria provided, multiple submitters, no conflicts (2 of 4 stars). 2 submissions from 2 submitters: Uncertain significance (2). Last evaluated 2024-01-16.

Conditions:
Neurofibromatosis, type 1 (NF1). Also called: Peripheral type neurofibromatosis; Neurofibromatosis, type I; VON RECKLINGHAUSEN DISEASE; NEUROFIBROMATOSIS, TYPE I, SOMATIC. Identifiers: Orphanet 636, MedGen C0027831, MONDO:0018975, OMIM 162200. Disease mechanism: loss of function.

Submissions (2):

Quest Diagnostics Nichols Institute San Juan Capistrano
Classification: Uncertain significance. Last evaluated: 2024-01-16. Review status: criteria provided, single submitter. Criteria: Quest Diagnostics criteria. Collection method: clinical testing. Allele origin: unknown.

St. Jude Molecular Pathology, St. Jude Children's Research Hospital
Classification: Uncertain significance for Neurofibromatosis, type 1. Last evaluated: 2023-04-14. Review status: criteria provided, single submitter. Criteria: St. Jude Assertion Criteria 2020. Collection method: clinical testing. Allele origin: germline.
Comment: The NF1 c.295A>C (p.Lys99Gln) missense change is absent in gnomAD v2.1.1. The in silico tool REVEL is inconclusive about a pathogenic or benign effect of this variant on protein function, and to our knowledge functional studies have not been performed. To our knowledge, this variant has not been reported in individuals with Neurofibromatosis type 1. In summary, the evidence currently available is insufficient to determine the clinical significance of this variant. It has therefore been classified as of uncertain significance.

NM_001042492.3(NF1):c.295A>C (p.Lys99Gln)

Gene: NF1 (neurofibromin 1; plus strand). Cytogenetic location: 17q11.2.
Variant type: single nucleotide variant.
Coding change: c.295A>C on transcript NM_001042492.3 (MANE Select); coding-DNA position 295, A replaced by C.
Protein change: p.Lys99Gln; replaces lysine 99 with glutamine.
Molecular consequence: missense variant.
Genome position (GRCh38, 1-based): chr17:31,163,192, A>C. VCF-style: chr17-31163192-A-C. GRCh37 (hg19) VCF-style: chr17-29490210-A-C.
Other names: c.295A>C, p.Lys99Gln (NM_000267.4, NM_001128147.3); short protein forms K99Q.
Identifiers: ClinVar variation 2503518 (VCV002503518.2), dbSNP rs2065791967, ClinGen allele CA398981634.